The following is an entry in ClinVar:

NM_000368.5(TSC1):c.2071C>G (p.Leu691Val)

Gene: TSC1 (TSC complex subunit 1; minus strand). Cytogenetic location: 9q34.13.
Variant type: single nucleotide variant.
Coding change: c.2071C>G on transcript NM_000368.5 (MANE Select); coding-DNA position 2071, C replaced by G.
Protein change: p.Leu691Val; replaces leucine 691 with valine.
Molecular consequence: missense variant.
Genome position (GRCh38, 1-based): chr9:132,903,788, G>C on the plus strand (C>G on the coding strand, the complement: TSC1 is on the minus strand). VCF-style: chr9-132903788-G-C. GRCh37 (hg19) VCF-style: chr9-135779175-G-C.
Other names: c.2068C>G, p.Leu690Val (NM_001162426.2); c.1918C>G, p.Leu640Val (NM_001162427.2); c.1708C>G, p.Leu570Val (NM_001362177.2); short protein forms L691V, L570V, L690V, L640V.
Identifiers: ClinVar variation 466061 (VCV000466061.11), dbSNP rs1554815343, ClinGen allele CA375361114.

ClinVar aggregate classification (germline): Uncertain significance. Review status: criteria provided, multiple submitters, no conflicts (2 of 4 stars). 2 submissions from 2 submitters: Uncertain significance (2). Last evaluated 2025-08-21.

Conditions:
Hereditary cancer-predisposing syndrome. Also called: Hereditary neoplastic syndrome; Neoplastic Syndromes, Hereditary; Tumor predisposition; Hereditary Cancer Syndrome. Identifiers: Orphanet 140162, MedGen C0027672, MeSH D009386, MONDO:0015356.
Tuberous sclerosis 1 (TSC1). Identifiers: Orphanet 805, MedGen C1854465, MONDO:0008612, OMIM 191100.

Allele frequency attached by ClinVar (database versions not stated): gnomAD exomes below 0.00001.
gnomAD v4.1: 2 of 1,614,036 alleles (0.00012%); highest among the groups gnomAD compares: South Asian, 0.0011%; no homozygotes.

Submissions (2):

Ambry Genetics
Classification: Uncertain significance for Hereditary cancer-predisposing syndrome. Last evaluated: 2025-08-21. Review status: criteria provided, single submitter. Criteria: Ambry Variant Classification Scheme 2023. Collection method: clinical testing. Allele origin: germline.
Comment: The p.L691V variant (also known as c.2071C>G), located in coding exon 15 of the TSC1 gene, results from a C to G substitution at nucleotide position 2071. The leucine at codon 691 is replaced by valine, an amino acid with highly similar properties. This amino acid position is highly conserved in available vertebrate species. In addition, this alteration is predicted to be deleterious by in silico analysis. Based on the available evidence, the clinical significance of this variant remains unclear.

Labcorp Genetics (formerly Invitae), Labcorp
Classification: Uncertain significance for Tuberous sclerosis 1. Last evaluated: 2021-05-19. Review status: criteria provided, single submitter. Criteria: Invitae Variant Classification Sherloc (09022015). Collection method: clinical testing. Allele origin: germline.
Comment: Algorithms developed to predict the effect of missense changes on protein structure and function do not agree on the potential impact of this missense change (SIFT: "Tolerated"; PolyPhen-2: "Probably Damaging"; Align-GVGD: "Class C0"). In summary, this variant is a novel missense change with uncertain impact on protein function. It has been classified as a Variant of Uncertain Significance. This variant is not present in population databases (ExAC no frequency) and has not been reported in the literature in individuals with a TSC1-related disease. This sequence change replaces leucine with valine at codon 691 of the TSC1 protein (p.Leu691Val). The leucine residue is moderately conserved and there is a small physicochemical difference between leucine and valine.